The following is an entry in ClinVar:

NM_001134407.3(GRIN2A):c.3131A>G (p.His1044Arg)

Gene: GRIN2A (glutamate ionotropic receptor NMDA type subunit 2A; minus strand). Cytogenetic location: 16p13.2.
Variant type: single nucleotide variant.
Coding change: c.3131A>G on transcript NM_001134407.3 (MANE Select); coding-DNA position 3131, A replaced by G.
Protein change: p.His1044Arg; replaces histidine 1044 with arginine.
Molecular consequence: missense variant.
Genome position (GRCh38, 1-based): chr16:9,764,413, T>C on the plus strand (A>G on the coding strand, the complement: GRIN2A is on the minus strand). VCF-style: chr16-9764413-T-C. GRCh37 (hg19) VCF-style: chr16-9858270-T-C.
Other names: c.3131A>G, p.His1044Arg (NM_000833.5, NM_001134408.2); short protein forms H1044R.
Identifiers: ClinVar variation 1985405 (VCV001985405.4), dbSNP rs1452486107, ClinGen allele CA394708606.

ClinVar aggregate classification (germline): Uncertain significance (1 of 4 stars; one submission).

Conditions:
Landau-Kleffner syndrome (FESD). Also called: EPILEPSY, FOCAL, WITH SPEECH DISORDER AND WITH OR WITHOUT MENTAL RETARDATION; APHASIA, ACQUIRED, WITH EPILEPSY. Identifiers: Orphanet 1945, Orphanet 725, Orphanet 98818, MedGen C0282512, MONDO:0009509, OMIM 245570.

Allele frequency attached by ClinVar (database versions not stated): gnomAD 0.00001.
gnomAD v4.1: 1 of 1,613,626 alleles (0.000062%); highest among the groups gnomAD compares: Non-Finnish European, 0.000085%; no homozygotes.

Submission:

Labcorp Genetics (formerly Invitae), Labcorp
Classification: Uncertain significance for Landau-Kleffner syndrome. Last evaluated: 2026-01-12. Review status: criteria provided, single submitter. Criteria: Invitae Variant Classification Sherloc (09022015). Collection method: clinical testing. Allele origin: germline.
Comment: This sequence change replaces histidine, which is basic and polar, with arginine, which is basic and polar, at codon 1044 of the GRIN2A protein (p.His1044Arg). The frequency data for this variant in the population databases is considered unreliable, as metrics indicate poor data quality at this position in the gnomAD database. This variant has not been reported in the literature in individuals affected with GRIN2A-related conditions. ClinVar contains an entry for this variant (Variation ID: 1985405). Invitae Evidence Modeling of protein sequence and biophysical properties (such as structural, functional, and spatial information, amino acid conservation, physicochemical variation, residue mobility, and thermodynamic stability) indicates that this missense variant is not expected to disrupt GRIN2A protein function with a negative predictive value of 95%. In summary, the available evidence is currently insufficient to determine the role of this variant in disease. Therefore, it has been classified as a Variant of Uncertain Significance.